The following is an entry in ClinVar:

ClinVar aggregate classification (germline): Uncertain significance. Review status: criteria provided, multiple submitters, no conflicts (2 of 4 stars). 3 submissions from 3 submitters: Uncertain significance (3). Last evaluated 2024-04-01.

Conditions:
Hereditary breast ovarian cancer syndrome. Also called: BRCA1- and BRCA2-Associated Hereditary Breast and Ovarian Cancer; Hereditary breast and ovarian cancer syndrome; Hereditary breast and ovarian cancer; Hereditary breast and ovarian cancer syndrome (HBOC); Breast and ovarian cancer; Hereditary breast and/or ovarian cancer syndrome. Identifiers: Orphanet 145, MedGen C0677776, MeSH D061325, MONDO:0003582. Disease mechanism: loss of function.
Hereditary cancer-predisposing syndrome. Also called: Tumor predisposition; Neoplastic Syndromes, Hereditary; Hereditary Cancer Syndrome; Hereditary neoplastic syndrome. Identifiers: Orphanet 140162, MedGen C0027672, MeSH D009386, MONDO:0015356.
Breast-ovarian cancer, familial, susceptibility to, 1 (BROVCA1). Also called: BRCA1 Hereditary Breast and Ovarian Cancer; OVARIAN CANCER, SUSCEPTIBILITY TO. Identifiers: Orphanet 145, MedGen C2676676, MONDO:0011450, OMIM 604370. Disease mechanism: loss of function.

Submissions (3):

Labcorp Genetics (formerly Invitae), Labcorp
Classification: Uncertain significance for Hereditary breast ovarian cancer syndrome. Last evaluated: 2024-04-01. Review status: criteria provided, single submitter. Criteria: Invitae Variant Classification Sherloc (09022015). Collection method: clinical testing. Allele origin: germline.
Comment: This sequence change replaces alanine, which is neutral and non-polar, with threonine, which is neutral and polar, at codon 433 of the BRCA1 protein (p.Ala433Thr). This variant is not present in population databases (gnomAD no frequency). This variant has not been reported in the literature in individuals affected with BRCA1-related conditions. Advanced modeling of protein sequence and biophysical properties (such as structural, functional, and spatial information, amino acid conservation, physicochemical variation, residue mobility, and thermodynamic stability) performed at Invitae indicates that this missense variant is not expected to disrupt BRCA1 protein function with a negative predictive value of 95%. In summary, the available evidence is currently insufficient to determine the role of this variant in disease. Therefore, it has been classified as a Variant of Uncertain Significance.

Ambry Genetics
Classification: Uncertain significance for Hereditary cancer-predisposing syndrome. Last evaluated: 2024-01-02. Review status: criteria provided, single submitter. Criteria: Ambry Variant Classification Scheme 2023. Collection method: clinical testing. Allele origin: germline.
Comment: The p.A433T variant (also known as c.1297G>A), located in coding exon 9 of the BRCA1 gene, results from a G to A substitution at nucleotide position 1297. The alanine at codon 433 is replaced by threonine, an amino acid with similar properties. This amino acid position is well conserved in available vertebrate species. In addition, the in silico prediction for this alteration is inconclusive. Since supporting evidence is limited at this time, the clinical significance of this alteration remains unclear.

All of Us Research Program, National Institutes of Health
Classification: Uncertain significance for Breast-ovarian cancer, familial, susceptibility to, 1. Last evaluated: 2023-11-20. Review status: criteria provided, single submitter. Criteria: ACMG Guidelines, 2015. Collection method: clinical testing. Allele origin: germline. Inheritance: Autosomal dominant inheritance. Observed: 1 variant allele, 1 heterozygote.
Comment: This missense variant replaces alanine with threonine at codon 433 of the BRCA1 protein. Computational prediction is inconclusive regarding the impact of this variant on protein structure and function (internally defined REVEL score threshold 0.5 < inconclusive < 0.7, PMID: 27666373). To our knowledge, functional studies have not been reported for this variant. This variant has not been reported in individuals affected with BRCA1-related disorders in the literature. This variant has not been identified in the general population by the Genome Aggregation Database (gnomAD). The available evidence is insufficient to determine the role of this variant in disease conclusively. Therefore, this variant is classified as a Variant of Uncertain Significance.

This study involves interpretation of variants in research participants for the purpose of population health screening. Participant phenotype was not available at the time of variant classification. Additional details can be found in publication PMID: 35346344, PMCID: PMC8962531

NM_007294.4(BRCA1):c.1297G>A (p.Ala433Thr)

Gene: BRCA1 (BRCA1 DNA repair associated; minus strand). Cytogenetic location: 17q21.31.
Variant type: single nucleotide variant.
Coding change: c.1297G>A on transcript NM_007294.4 (MANE Select); coding-DNA position 1297, G replaced by A.
Protein change: p.Ala433Thr; replaces alanine 433 with threonine.
Molecular consequence: missense variant. On other transcripts: intron variant (137).
Genome position (GRCh38, 1-based): chr17:43,094,234, C>T on the plus strand (G>A on the coding strand, the complement: BRCA1 is on the minus strand). VCF-style: chr17-43094234-C-T. GRCh37 (hg19) VCF-style: chr17-41246251-C-T.
Other names: c.1156G>A, p.Ala386Thr (NM_001407751.1, NM_001407752.1, NM_001407944.1 and 29 more transcripts); c.1153G>A, p.Ala385Thr (NM_001407838.1, NM_001407839.1, NM_001407841.1 and 20 more transcripts); c.1297G>A, p.Ala433Thr (NM_001407859.1, NM_007300.4, NM_001407623.1 and 30 more transcripts); c.1294G>A, p.Ala432Thr (NM_001407860.1, NM_001407861.1, NM_001407627.1 and 22 more transcripts); c.1096G>A, p.Ala366Thr (NM_001407862.1); c.1174G>A, p.Ala392Thr (NM_001407863.1, NM_001407648.1, NM_001407664.1 and 19 more transcripts); c.1093G>A, p.Ala365Thr (NM_001407874.1, NM_001407875.1); c.1087G>A, p.Ala363Thr (NM_001407879.1, NM_001407881.1, NM_001407900.1 and 13 more transcripts); and 40 more; short protein forms A137T, A265T, A305T, A306T, A321T, A322T, A344T, A345T.
Identifiers: ClinVar variation 3074624 (VCV003074624.4), dbSNP rs2053961363, ClinGen allele CA10599462.